The following is an entry in ClinVar:

ClinVar aggregate classification (germline): Pathogenic. Review status: criteria provided, multiple submitters, no conflicts (2 of 4 stars). 3 submissions from 3 submitters: Pathogenic (3). Last evaluated 2025-02-27.

Conditions:
Neurofibromatosis, type 1 (NF1). Also called: VON RECKLINGHAUSEN DISEASE; NEUROFIBROMATOSIS, TYPE I, SOMATIC; Peripheral type neurofibromatosis; Neurofibromatosis, type I. Identifiers: Orphanet 636, MedGen C0027831, MONDO:0018975, OMIM 162200. Disease mechanism: loss of function.
Hereditary cancer-predisposing syndrome. Also called: Neoplastic Syndromes, Hereditary; Hereditary neoplastic syndrome; Tumor predisposition; Hereditary Cancer Syndrome. Identifiers: Orphanet 140162, MedGen C0027672, MeSH D009386, MONDO:0015356.
Cardiovascular phenotype. Identifiers: MedGen CN230736.

Submissions (3):

Labcorp Genetics (formerly Invitae), Labcorp
Classification: Pathogenic for Neurofibromatosis, type 1. Last evaluated: 2025-02-27. Review status: criteria provided, single submitter. Criteria: Invitae Variant Classification Sherloc (09022015). Collection method: clinical testing. Allele origin: germline.
Comment: This sequence change creates a premature translational stop signal (p.Gln1370Argfs*15) in the NF1 gene. It is expected to result in an absent or disrupted protein product. Loss-of-function variants in NF1 are known to be pathogenic (PMID: 10712197, 23913538). This variant is not present in population databases (gnomAD no frequency). This variant has not been reported in the literature in individuals affected with NF1-related conditions. ClinVar contains an entry for this variant (Variation ID: 1675667). For these reasons, this variant has been classified as Pathogenic.

CeGaT Center for Human Genetics Tuebingen
Classification: Pathogenic. Last evaluated: 2022-02-01. Review status: criteria provided, single submitter. Criteria: CeGaT Center For Human Genetics Tuebingen Variant Classification Criteria Version 2. Collection method: clinical testing. Allele origin: germline. Affected: yes. Observed: 2 variant alleles.

Ambry Genetics
Classification: Pathogenic for Cardiovascular phenotype; Hereditary cancer-predisposing syndrome. Last evaluated: 2016-04-20. Review status: criteria provided, single submitter. Criteria: Ambry Variant Classification Scheme 2023. Collection method: clinical testing. Allele origin: germline.
Comment: The c.4109delA pathogenic mutation, located in coding exon 30 of the NF1 gene, results from a deletion of one nucleotide at position 4109, causing a translational frameshift with a predicted alternate stop codon. Since frameshifts are typically deleterious in nature, this alteration is interpreted as a disease-causing mutation (ACMG Recommendations for Standards for Interpretation and Reporting of Sequence Variations. Revision 2007. Genet Med. 2008;10:294).

Literature cited by the submitters: PubMed 10712197 (cited by Labcorp Genetics (formerly Invitae), Labcorp); PubMed 23913538 (cited by Labcorp Genetics (formerly Invitae), Labcorp).

NM_001042492.3(NF1):c.4109del (p.Gln1370fs)

Gene: NF1 (neurofibromin 1; plus strand). Cytogenetic location: 17q11.2.
Variant type: Deletion.
Coding change: c.4109del on transcript NM_001042492.3 (MANE Select); coding-DNA position 4109, one base deleted (A; older notation c.4109delA).
Protein change: p.Gln1370fs; shifts the reading frame from glutamine 1370.
Molecular consequence: frameshift variant.
Genome position (GRCh38, 1-based): chr17:31,249,118, A deleted. VCF-style (leftmost placement, unchanged base first): chr17-31249117-CA-C. GRCh37 (hg19) VCF-style: chr17-29576135-CA-C.
Other names: c.4109delA (NM_000267.3); c.4109delA, p.Gln1370Argfs (NM_000267.4); short protein forms Q1370fs.
Identifiers: ClinVar variation 1675667 (VCV001675667.40), dbSNP rs2151451681, ClinGen allele CA2573153313.